The following is an entry in ClinVar:

NM_000077.5(CDKN2A):c.65G>T (p.Arg22Leu)

Gene: CDKN2A (cyclin dependent kinase inhibitor 2A; minus strand). Cytogenetic location: 9p21.3.
Variant type: single nucleotide variant.
Coding change: c.65G>T on transcript NM_000077.5; coding-DNA position 65, G replaced by T.
Protein change: p.Arg22Leu; replaces arginine 22 with leucine.
Molecular consequence: missense variant (on NM_000077.6). On other transcripts: intron variant (2).
Genome position (GRCh38, 1-based): chr9:21,974,763, C>A on the plus strand (G>T on the coding strand, the complement: CDKN2A is on the minus strand). VCF-style: chr9-21974763-C-A. GRCh37 (hg19) VCF-style: chr9-21974762-C-A.
Other names: c.65G>T, p.Arg22Leu (NM_000077.6, NM_001195132.2, NM_058197.5); c.-3-3555G>T (NM_001363763.2); c.194-3555G>T (NM_058195.4); short protein forms R22L.
Identifiers: ClinVar variation 463510 (VCV000463510.8), dbSNP rs1554656491, ClinGen allele CA373086623.
Genomic context (GRCh38, chr9:21,974,763, plus strand): 5'-TTCGGTGCGTTGGGCAGCGCCCCCGCCTCCAGCAGCGCCCGCACCTCCTCTACCCGACCC[C>A]GGGCCGCGGCCGTGGCCAGCCAGTCAGCCGAAGGCTCCATGCTGCTCCCCGCCGCCGGCT-3'
Protein context (NP_000068.1, residues 12-32): SADWLATAAA[Arg22Leu]GRVEEVRALL

ClinVar aggregate classification (germline): Uncertain significance (1 of 4 stars; one submission).

Conditions:
Familial melanoma. Also called: Hereditary melanoma; Hereditary cutaneous melanoma. Identifiers: Orphanet 618, MedGen C1512419, MONDO:0018961.

Submission:

Labcorp Genetics (formerly Invitae), Labcorp
Classification: Uncertain significance for Familial melanoma. Last evaluated: 2023-09-17. Review status: criteria provided, single submitter. Criteria: Invitae Variant Classification Sherloc (09022015). Collection method: clinical testing. Allele origin: germline.
Comment: This variant is not present in population databases (gnomAD no frequency). In summary, the available evidence is currently insufficient to determine the role of this variant in disease. Therefore, it has been classified as a Variant of Uncertain Significance. Algorithms developed to predict the effect of missense changes on protein structure and function output the following: SIFT: "Not Available"; PolyPhen-2: "Benign"; Align-GVGD: "Not Available". The leucine amino acid residue is found in multiple mammalian species, which suggests that this missense change does not adversely affect protein function. ClinVar contains an entry for this variant (Variation ID: 463510). This variant has not been reported in the literature in individuals affected with CDKN2A (p16INK4a)-related conditions. This sequence change replaces arginine, which is basic and polar, with leucine, which is neutral and non-polar, at codon 22 of the CDKN2A (p16INK4a) protein (p.Arg22Leu).